The following is an entry in ClinVar:

ClinVar aggregate classification (germline): Pathogenic (1 of 4 stars; one submission).

Conditions:
Charcot-Marie-Tooth disease type 4. Also called: Charcot-Marie-Tooth disease, type IV; Charcot-Marie-Tooth, Type 4. Identifiers: Orphanet 64749, MedGen C4082197, MONDO:0018995.

Submission:

Labcorp Genetics (formerly Invitae), Labcorp
Classification: Pathogenic for Charcot-Marie-Tooth disease type 4. Last evaluated: 2021-10-27. Review status: criteria provided, single submitter. Criteria: Invitae Variant Classification Sherloc (09022015). Collection method: clinical testing. Allele origin: germline.
Comment: For these reasons, this variant has been classified as Pathogenic. This variant has not been reported in the literature in individuals affected with NDRG1-related conditions. This variant is not present in population databases (gnomAD no frequency). This sequence change creates a premature translational stop signal (p.Pro123Leufs*9) in the NDRG1 gene. It is expected to result in an absent or disrupted protein product. Loss-of-function variants in NDRG1 are known to be pathogenic (PMID: 12872253, 23996628).

Literature cited by the submitters: PubMed 12872253; PubMed 23996628.

NM_006096.4(NDRG1):c.368del (p.Pro123fs)

Gene: NDRG1 (N-myc downstream regulated 1; minus strand). Cytogenetic location: 8q24.22.
Variant type: Deletion.
Coding change: c.368del on transcript NM_006096.4 (MANE Select); coding-DNA position 368, one base deleted (C; older notation c.368delC).
Protein change: p.Pro123fs; shifts the reading frame from proline 123.
Molecular consequence: frameshift variant.
Genome position (GRCh38, 1-based): chr8:133,259,189, G deleted on the plus strand (C on the coding strand, the reverse complement: NDRG1 is on the minus strand); the first of 2 consecutive G bases (chr8:133,259,189-133,259,190); deleting either gives the same sequence. VCF-style (leftmost placement, unchanged base first): chr8-133259188-AG-A. GRCh37 (hg19) VCF-style: chr8-134271431-AG-A.
Other names: c.368del, p.Pro123fs (NM_001135242.2, NM_001374844.1, NM_001374845.1 and 1 more transcripts); c.170del, p.Pro57fs (NM_001258432.2, NM_001374847.1); c.125del, p.Pro42fs (NM_001258433.2); short protein forms P123fs, P42fs, P57fs.
Identifiers: ClinVar variation 1456322 (VCV001456322.6), dbSNP rs2130727371, ClinGen allele CA2573142858.